The following is an entry in ClinVar:

NM_006118.4(HAX1):c.797C>G (p.Ser266Cys)

Gene: HAX1 (HCLS1 associated protein X-1; plus strand). Cytogenetic location: 1q21.3.
Variant type: single nucleotide variant.
Coding change: c.797C>G on transcript NM_006118.4 (MANE Select); coding-DNA position 797, C replaced by G.
Protein change: p.Ser266Cys; replaces serine 266 with cysteine.
Molecular consequence: missense variant.
Genome position (GRCh38, 1-based): chr1:154,275,658, C>G. VCF-style: chr1-154275658-C-G. GRCh37 (hg19) VCF-style: chr1-154248134-C-G.
Other names: c.653C>G, p.Ser218Cys (NM_001018837.2); short protein forms S266C, S218C.
Identifiers: ClinVar variation 3524100 (VCV003524100.1).

ClinVar aggregate classification (germline): Uncertain significance (1 of 4 stars; one submission).

Conditions:
Inborn genetic diseases. Identifiers: MedGen C0950123, MeSH D030342.

gnomAD v4.1: 2 of 1,614,032 alleles (0.00012%); highest among the groups gnomAD compares: Non-Finnish European, 0.00017%; no homozygotes.

Submission:

Ambry Genetics
Classification: Uncertain significance for Inborn genetic diseases. Last evaluated: 2024-12-08. Review status: criteria provided, single submitter. Criteria: Ambry Variant Classification Scheme 2023. Collection method: clinical testing. Allele origin: germline.
Comment: The p.S266C variant (also known as c.797C>G), located in coding exon 7 of the HAX1 gene, results from a C to G substitution at nucleotide position 797. The serine at codon 266 is replaced by cysteine, an amino acid with dissimilar properties. This amino acid position is conserved. In addition, the in silico prediction for this alteration is inconclusive. Based on the available evidence, the clinical significance of this variant remains unclear.